The following is an entry in ClinVar:

ClinVar aggregate classification (germline): Pathogenic (1 of 4 stars; one submission).

Conditions:
Fanconi anemia (FA). Also called: Fanconi's anemia. Identifiers: Orphanet 84, MedGen C0015625, MeSH D005199, MONDO:0019391.

Submission:

Labcorp Genetics (formerly Invitae), Labcorp
Classification: Pathogenic for Fanconi anemia. Last evaluated: 2024-07-29. Review status: criteria provided, single submitter. Criteria: Invitae Variant Classification Sherloc (09022015). Collection method: clinical testing. Allele origin: germline.
Comment: This sequence change creates a premature translational stop signal (p.Gln527Serfs*16) in the FANCD2 gene. It is expected to result in an absent or disrupted protein product. Loss-of-function variants in FANCD2 are known to be pathogenic (PMID: 17436244). This variant is not present in population databases (gnomAD no frequency). This variant has not been reported in the literature in individuals affected with FANCD2-related conditions. For these reasons, this variant has been classified as Pathogenic.

Literature cited by the submitters: PubMed 17436244.

NM_001018115.3(FANCD2):c.1577dup (p.Gln527fs)

Genes: FANCD2 (FA complementation group D2; plus strand), LOC107303338 (3p25 FANCD2 Alu-mediated recombination region; plus strand). Cytogenetic location: 3p25.3.
Variant type: Duplication.
Coding change: c.1577dup on transcript NM_001018115.3 (MANE Select); coding-DNA position 1577, one base duplicated (C; older notation c.1577dupC).
Protein change: p.Gln527fs; shifts the reading frame from glutamine 527.
Molecular consequence: frameshift variant. On other transcripts: intron variant (1).
Genome position (GRCh38, 1-based): chr3:10,052,418, C duplicated; the last of 4 consecutive C bases (chr3:10,052,415-10,052,418); duplicating any one gives the same sequence. VCF-style (leftmost placement, unchanged base first): chr3-10052414-T-TC. GRCh37 (hg19) VCF-style: chr3-10094098-T-TC.
Other names: c.1577dup, p.Gln527fs (NM_001319984.2, NM_001374254.1, NM_033084.6); c.1545+2913dup (NM_001374253.1); short protein forms Q527fs.
Identifiers: ClinVar variation 2770338 (VCV002770338.3), dbSNP rs758121289, ClinGen allele CA70036686.